The following is an entry in ClinVar:

ClinVar aggregate classification (germline): Uncertain significance (1 of 4 stars; one submission).

Submission:

Labcorp Genetics (formerly Invitae), Labcorp
Classification: Uncertain significance. Last evaluated: 2025-09-29. Review status: criteria provided, single submitter. Criteria: Invitae Variant Classification Sherloc (09022015). Collection method: clinical testing. Allele origin: germline.
Comment: This sequence change replaces histidine, which is basic and polar, with proline, which is neutral and non-polar, at codon 399 of the SUCO protein (p.His399Pro). This variant is not present in population databases (gnomAD no frequency). This variant has not been reported in the literature in individuals affected with SUCO-related conditions. An algorithm developed to predict the effect of missense changes on protein structure and function (PolyPhen-2) suggests that this variant is likely to be disruptive. In summary, the available evidence is currently insufficient to determine the role of this variant in disease. Therefore, it has been classified as a Variant of Uncertain Significance.

NM_014283.5(SUCO):c.1196A>C (p.His399Pro)

Gene: SUCO (SUN domain containing ossification factor; plus strand). Cytogenetic location: 1q24.3.
Variant type: single nucleotide variant.
Coding change: c.1196A>C on transcript NM_014283.5 (MANE Select); coding-DNA position 1196, A replaced by C.
Protein change: p.His399Pro; replaces histidine 399 with proline.
Molecular consequence: missense variant. On other transcripts: 5 prime UTR variant (1).
Genome position (GRCh38, 1-based): chr1:172,575,556, A>C. VCF-style: chr1-172575556-A-C. GRCh37 (hg19) VCF-style: chr1-172544696-A-C.
Other names: c.1085A>C, p.His362Pro (NM_001282750.2); c.-334A>C (NM_001282751.2); c.1670A>C, p.His557Pro (NM_016227.4); short protein forms H362P, H399P, H557P.
Identifiers: ClinVar variation 4804751 (VCV004804751.1).